The following is an entry in ClinVar:

ClinVar aggregate classification (germline): Uncertain significance (1 of 4 stars; one submission).

Submission:

Labcorp Genetics (formerly Invitae), Labcorp
Classification: Uncertain significance. Last evaluated: 2025-03-17. Review status: criteria provided, single submitter. Criteria: Invitae Variant Classification Sherloc (09022015). Collection method: clinical testing. Allele origin: germline.
Comment: This sequence change replaces threonine, which is neutral and polar, with alanine, which is neutral and non-polar, at codon 608 of the COL4A4 protein (p.Thr608Ala). This variant is not present in population databases (gnomAD no frequency). This variant has not been reported in the literature in individuals affected with COL4A4-related conditions. Invitae Evidence Modeling of protein sequence and biophysical properties (such as structural, functional, and spatial information, amino acid conservation, physicochemical variation, residue mobility, and thermodynamic stability) indicates that this missense variant is not expected to disrupt COL4A4 protein function with a negative predictive value of 95%. In summary, the available evidence is currently insufficient to determine the role of this variant in disease. Therefore, it has been classified as a Variant of Uncertain Significance.

NM_000092.5(COL4A4):c.1822A>G (p.Thr608Ala)

Gene: COL4A4 (collagen type IV alpha 4 chain; minus strand). Cytogenetic location: 2q36.3.
Variant type: single nucleotide variant.
Coding change: c.1822A>G on transcript NM_000092.5 (MANE Select); coding-DNA position 1822, A replaced by G.
Protein change: p.Thr608Ala; replaces threonine 608 with alanine.
Molecular consequence: missense variant.
Genome position (GRCh38, 1-based): chr2:227,078,059, T>C on the plus strand (A>G on the coding strand, the complement: COL4A4 is on the minus strand). VCF-style: chr2-227078059-T-C. GRCh37 (hg19) VCF-style: chr2-227942775-T-C.
Other names: short protein forms T608A.
Identifiers: ClinVar variation 4768468 (VCV004768468.1).
Genomic context (GRCh38, chr2:227,078,059, plus strand): 5'-CCACAGGTCCTGCTTTGCCTGGGGGGCCCAGAGGTCCAGGAAATCCTTTACCACCTGGGG[T>C]CGCATCTTCATGATCCCCCTGGGAATGTTATGTCATGAGTCAATTACCAACCACTGAATG-3'
Protein context (NP_000083.3, residues 598-618): PGPPGDHEDA[Thr608Ala]PGGKGFPGPL